The following is an entry in ClinVar:

NM_000092.5(COL4A4):c.2877C>T (p.Pro959=)

Gene: COL4A4 (collagen type IV alpha 4 chain; minus strand). Cytogenetic location: 2q36.3.
Variant type: single nucleotide variant.
Coding change: c.2877C>T on transcript NM_000092.5 (MANE Select); coding-DNA position 2877, C replaced by T.
Protein change: p.Pro959=; no amino-acid change (proline 959 retained).
Molecular consequence: synonymous variant.
Genome position (GRCh38, 1-based): chr2:227,052,396, G>A on the plus strand (C>T on the coding strand, the complement: COL4A4 is on the minus strand). VCF-style: chr2-227052396-G-A. GRCh37 (hg19) VCF-style: chr2-227917112-G-A.
Identifiers: ClinVar variation 334712 (VCV000334712.20), dbSNP rs79470996, ClinGen allele CA2144690.

ClinVar aggregate classification (germline): Benign/Likely benign. Review status: criteria provided, multiple submitters, no conflicts (2 of 4 stars). 5 submissions from 5 submitters: Benign (2); Likely benign (2). 1 of the submissions does not count toward it. Last evaluated 2026-01-28.

Conditions:
Autosomal recessive Alport syndrome (ATS2). Also called: COL4A4 Alport Syndrome and Thin Basement Membrane Nephropathy; ALPORT SYNDROME 2, AUTOSOMAL RECESSIVE; Alport syndrome type 2; COL4A3-Related Nephropathy. Identifiers: Orphanet 63, Orphanet 88919, MedGen C4746745, MONDO:0008762, OMIM 203780.
Alport syndrome. Also called: Hemorrhagic familial nephritis; Hemorrhagic hereditary nephritis; Congenital hereditary hematuria. Identifiers: Orphanet 63, MedGen C1567741, MONDO:0018965.

Allele frequency attached by ClinVar (database versions not stated): gnomAD 0.00035 and 0.00046; gnomAD exomes 0.00038 and 0.00103; TOPMed 0.00050; ExAC 0.00080; 1000 Genomes Project 30x 0.00234; 1000 Genomes Project 0.00240.
gnomAD v4.1: 619 of 1,607,260 alleles (0.039%); highest among the groups gnomAD compares: East Asian, 1.2%; 7 homozygotes.

Submissions (5):

Labcorp Genetics (formerly Invitae), Labcorp
Classification: Benign. Last evaluated: 2026-01-28. Review status: criteria provided, single submitter. Criteria: Invitae Variant Classification Sherloc (09022015). Collection method: clinical testing. Allele origin: germline.

Genome-Nilou Lab
Classification: Likely benign for Autosomal recessive Alport syndrome. Last evaluated: 2021-07-14. Review status: criteria provided, single submitter. Criteria: ACMG Guidelines, 2015. Collection method: clinical testing. Allele origin: germline. Affected: no.

GeneDx
Classification: Benign. Last evaluated: 2019-04-24. Review status: criteria provided, single submitter. Criteria: GeneDx Variant Classification Process June 2021. Collection method: clinical testing. Allele origin: germline. Affected: yes.

Illumina Laboratory Services, Illumina
Classification: Likely benign for Alport syndrome. Last evaluated: 2018-01-13. Review status: criteria provided, single submitter. Criteria: ICSL Variant Classification Criteria 13 December 2019. Collection method: clinical testing. Allele origin: germline.
Comment: This variant was observed in the ICSL laboratory as part of a predisposition screen in an ostensibly healthy population. It had not been previously curated by ICSL or reported in the Human Gene Mutation Database (HGMD: prior to June 1st, 2018), and was therefore a candidate for classification through an automated scoring system. Utilizing variant allele frequency, disease prevalence and penetrance estimates, and inheritance mode, an automated score was calculated to assess if this variant is too frequent to cause the disease. Based on the score and internal cut-off values, a variant classified as likely benign is not then subjected to further curation. The score for this variant resulted in a classification of likely benign for this disease.

Natera, Inc.
Classification: Likely benign for Alport syndrome. Last evaluated: 2019-12-06. Review status: no assertion criteria provided. Collection method: clinical testing. Allele origin: germline. Not counted in ClinVar's aggregate classification.